The following is an entry in ClinVar:

NM_004082.5(DCTN1):c.2278A>G (p.Met760Val)

Gene: DCTN1 (dynactin subunit 1; minus strand). Cytogenetic location: 2p13.1.
Variant type: single nucleotide variant.
Coding change: c.2278A>G on transcript NM_004082.5 (MANE Select); coding-DNA position 2278, A replaced by G.
Protein change: p.Met760Val; replaces methionine 760 with valine.
Molecular consequence: missense variant. On other transcripts: non-coding transcript variant (1).
Genome position (GRCh38, 1-based): chr2:74,367,083, T>C on the plus strand (A>G on the coding strand, the complement: DCTN1 is on the minus strand). VCF-style: chr2-74367083-T-C. GRCh37 (hg19) VCF-style: chr2-74594210-T-C.
Other names: c.2218A>G, p.Met740Val (NM_001135040.3); c.1876A>G, p.Met626Val (NM_001135041.3, NM_023019.4); c.2167A>G, p.Met723Val (NM_001190836.2); c.2257A>G, p.Met753Val (NM_001190837.2); c.2227A>G, p.Met743Val (NM_001378991.1); c.2209A>G, p.Met737Val (NM_001378992.1); short protein forms M626V, M760V, M723V, M753V, M740V, M737V, M743V.
Identifiers: ClinVar variation 337081 (VCV000337081.59), dbSNP rs754780894, ClinGen allele CA1721887.

ClinVar aggregate classification (germline): Conflicting classifications of pathogenicity. Review status: criteria provided, conflicting classifications (1 of 4 stars). 8 submissions from 7 submitters: Uncertain significance (3); Benign (3); Likely benign (2). Last evaluated 2026-08-20.

Conditions:
Inborn genetic diseases. Identifiers: MedGen C0950123, MeSH D030342.
Neuronopathy, distal hereditary motor, type 7B. Also called: Distal Hereditary Motor Neuronopathy Type 7B (dHMN7B); HMN VIIB; LOWER MOTOR NEURON DISEASE, DYNACTIN TYPE; NEURONOPATHY, DISTAL HEREDITARY MOTOR, AUTOSOMAL DOMINANT 14; NEURONOPATHY, DISTAL HEREDITARY MOTOR, HARDING TYPE VIIB; NEUROPATHY, DISTAL HEREDITARY MOTOR, HARDING TYPE VIIB. Identifiers: Orphanet 139589, MedGen C1843315, MONDO:0011879, OMIM 607641.
Perry syndrome. Also called: PARKINSONISM WITH ALVEOLAR HYPOVENTILATION AND MENTAL DEPRESSION. Identifiers: Orphanet 178509, MedGen C1868594, MONDO:0008201, OMIM 168605.
Amyotrophic lateral sclerosis type 1 (ALS1). Also called: AMYOTROPHIC LATERAL SCLEROSIS 1, FAMILIAL. Identifiers: Orphanet 803, MedGen C1862939, MONDO:0007103, OMIM 105400.
DCTN1-related disorder. Also called: DCTN1-related condition.

Allele frequency attached by ClinVar (database versions not stated): gnomAD 0.00007; ExAC 0.00009; gnomAD exomes 0.00009 and 0.00014; TOPMed 0.00011.
gnomAD v4.1: 140 of 1,614,076 alleles (0.0087%); highest among the groups gnomAD compares: Admixed American, 0.048%; no homozygotes.

Submissions (9):

PreventionGenetics, part of Exact Sciences
Classification: Uncertain significance for DCTN1-related condition. Last evaluated: 2026-08-20. Review status: criteria provided, single submitter. Criteria: ACMG Guidelines, 2015. Collection method: clinical testing. Allele origin: germline.
Comment: The DCTN1 c.2278A>G variant is predicted to result in the amino acid substitution p.Met760Val. This variant has been reported in multiple individuals with hereditary motor neuropathy (Table S3 - Antoniadi et al. 2015. PubMed ID: 26392352). However, this variant is reported in 0.076% of alleles in individuals of Latino descent in gnomAD. Functional studies suggest this variant may not alter protein function (Stockmann et al. 2012. PubMed ID: 23143281). Although we suspect that this variant may be benign, at this time, the clinical significance of this variant is uncertain due to the absence of conclusive functional and genetic evidence.

Labcorp Genetics (formerly Invitae), Labcorp
Classification: Likely benign for Amyotrophic lateral sclerosis type 1; Neuronopathy, distal hereditary motor, type 7B; Perry syndrome. Last evaluated: 2025-09-03. Review status: criteria provided, single submitter. Criteria: Invitae Variant Classification Sherloc (09022015). Collection method: clinical testing. Allele origin: germline.

Mayo Clinic Laboratories, Mayo Clinic
Classification: Uncertain significance. Last evaluated: 2025-02-04. Review status: criteria provided, single submitter. Criteria: ACMG Guidelines, 2015. Collection method: clinical testing. Allele origin: germline. Observed: 1 variant allele.
Comment: BS2

Ambry Genetics
Classification: Benign for Inborn genetic diseases. Last evaluated: 2022-02-09. Review status: criteria provided, single submitter. Criteria: Ambry Variant Classification Scheme 2023. Collection method: clinical testing. Allele origin: germline.

Illumina Laboratory Services, Illumina
Classification: Benign for Neuronopathy, distal hereditary motor, type 7B. Last evaluated: 2018-01-12. Review status: criteria provided, single submitter. Criteria: ICSL Variant Classification Criteria 13 December 2019. Collection method: clinical testing. Allele origin: germline.
Comment: This variant was observed in the ICSL laboratory as part of a predisposition screen in an ostensibly healthy population. It had not been previously curated by ICSL or reported in the Human Gene Mutation Database (HGMD: prior to June 1st, 2018), and was therefore a candidate for classification through an automated scoring system. Utilizing variant allele frequency, disease prevalence and penetrance estimates, and inheritance mode, an automated score was calculated to assess if this variant is too frequent to cause the disease. Based on the score and internal cut-off values, a variant classified as benign is not then subjected to further curation. The score for this variant resulted in a classification of benign for this disease.

Illumina Laboratory Services, Illumina
Classification: Benign for Perry syndrome. Last evaluated: 2018-01-12. Review status: criteria provided, single submitter. Criteria: ICSL Variant Classification Criteria 13 December 2019. Collection method: clinical testing. Allele origin: germline.
Comment: the same text as in the submission from Illumina Laboratory Services, Illumina above.

Athena Diagnostics
Classification: Likely benign. Last evaluated: 2017-03-30. Review status: criteria provided, single submitter. Criteria: Athena Diagnostics Criteria. Collection method: clinical testing. Allele origin: germline.

CeGaT Center for Human Genetics Tuebingen
Classification: Uncertain significance. Last evaluated: 2016-08-01. Review status: criteria provided, single submitter. Criteria: CeGaT Center For Human Genetics Tuebingen Variant Classification Criteria Version 2. Collection method: clinical testing. Allele origin: germline. Affected: yes. Observed: 1 variant allele.

Dr. Peter K. Rogan Lab, Western University
No classification provided (evidence only). Condition: Thymoma. Review status: no classification provided. Collection method: in vitro. Allele origin: not applicable. Functional consequence: retained intron. Not counted in ClinVar's aggregate classification.

Literature cited by the submitters: PubMed 26392352 (cited by Mayo Clinic Laboratories, Mayo Clinic and Athena Diagnostics); PubMed 24627108 (cited by Athena Diagnostics).